The following is an entry in ClinVar:

NM_001267550.2(TTN):c.101943C>G (p.Tyr33981Ter)

Genes: TTN (titin; minus strand), TTN-AS1 (TTN antisense RNA 1; plus strand). Cytogenetic location: 2q31.2.
Variant type: single nucleotide variant.
Coding change: c.101943C>G on transcript NM_001267550.2 (MANE Select); coding-DNA position 101943, C replaced by G.
Protein change: p.Tyr33981Ter; replaces tyrosine 33981 with a stop codon.
Molecular consequence: nonsense.
Genome position (GRCh38, 1-based): chr2:178,534,672, G>C on the plus strand (C>G on the coding strand, the complement: TTN is on the minus strand). VCF-style: chr2-178534672-G-C. GRCh37 (hg19) VCF-style: chr2-179399399-G-C.
Other names: c.97020C>G, p.Tyr32340Ter (NM_001256850.1); c.74748C>G, p.Tyr24916Ter (NM_003319.4); c.94239C>G, p.Tyr31413Ter (NM_133378.4); c.75123C>G, p.Tyr25041Ter (NM_133432.3); c.75324C>G, p.Tyr25108Ter (NM_133437.4); c.101943C>G (NM_001267550.1); short protein forms Y33981*, Y25041*, Y24916*, Y25108*, Y31413*, Y32340*.
Identifiers: ClinVar variation 636721 (VCV000636721.9), dbSNP rs1575283255, ClinGen allele CA349418837.

ClinVar aggregate classification (germline): Likely pathogenic. Review status: criteria provided, multiple submitters, no conflicts (2 of 4 stars). 4 submissions from 4 submitters: Likely pathogenic (4). Last evaluated 2026-01-28.

Conditions:
TTN-related disorder. Also called: TTN-related condition; TTN-related disease; TTN-related disorders.
Cardiovascular phenotype. Identifiers: MedGen CN230736.
Dilated cardiomyopathy 1G (CMD1G). Identifiers: Orphanet 154, MedGen C1858763, MONDO:0011400, OMIM 604145.
Autosomal recessive limb-girdle muscular dystrophy type 2J (LGMDR10). Also called: Limb-girdle muscular dystrophy, type 2J; MUSCULAR DYSTROPHY, LIMB-GIRDLE, AUTOSOMAL RECESSIVE 10. Identifiers: Orphanet 140922, MedGen C1837342, MONDO:0012127, OMIM 608807.

Allele frequency attached by ClinVar (database versions not stated): gnomAD exomes 0.00001.
gnomAD v4.1: 3 of 1,613,800 alleles (0.00019%); no homozygotes.

Submissions (4):

Ambry Genetics
Classification: Likely pathogenic for Cardiovascular phenotype. Last evaluated: 2026-01-28. Review status: criteria provided, single submitter. Criteria: Ambry Variant Classification Scheme 2023. Collection method: clinical testing. Allele origin: germline.
Comment: The p.Y24916* variant (also known as c.74748C>G), located in coding exon 185 of the TTN gene, results from a C to G substitution at nucleotide position 74748. This changes the amino acid from a tyrosine to a stop codon within coding exon 185. This exon is located in the M-band region of the N2-B isoform of the titin protein and is constitutively expressed in TTN transcripts (percent spliced in or PSI 100%). This variant is expected to result in loss of function by premature protein truncation or nonsense-mediated mRNA decay. While truncating variants in TTN are present in 1-3% of the general population, truncating variants in the M-band have been reported in association with autosomal recessive titinopathies, primarily presenting with skeletal myopathy phenotypes (Ceyhan-Birsoy O et al. Neurology. 2013 Oct 1;81(14):1205-14; De Cid R et al. Neurology. 2015;85(24):2126-35). Truncating variants in coding exon 185 of the M-band of the N2-B isoform have also been specifically associated with autosomal dominant dilated cardiomyopathy (Vatta M et al. Circ GenomPrecis Med. 2025 Feb:e004982). More generally, TTN truncating variants encoded in constitutive exons (PSI >90%) have been found to be significantly associated with dilated cardiomyopathy (DCM) regardless of their position, although truncating variants in the A-band are the most common cause of DCM (Herman DS et al. N. Engl. J. Med., 2012 Feb;366:619-28; Roberts AM et al. Sci Transl Med, 2015 Jan;7:270ra6; Schafer S et al. Nat. Genet., 2017 01;49:46-53; Akhtar MM et al. Circ Heart Fail, 2020 Oct;13:e006832; Massier M et al. Clin Genet, 2025 Jan). This variant is considered to be rare based on population cohorts in the Genome Aggregation Database (gnomAD). Based on the majority of available evidence to date, this variant is likely to be pathogenic.

Labcorp Genetics (formerly Invitae), Labcorp
Classification: Likely pathogenic for Dilated cardiomyopathy 1G; Autosomal recessive limb-girdle muscular dystrophy type 2J. Last evaluated: 2023-12-06. Review status: criteria provided, single submitter. Criteria: Invitae Variant Classification Sherloc (09022015). Collection method: clinical testing. Allele origin: germline.
Comment: This sequence change creates a premature translational stop signal (p.Tyr33981*) in the TTN gene. While this is not anticipated to result in nonsense mediated decay, it is expected to create a truncated TTN protein. This variant is not present in population databases (gnomAD no frequency). This variant has not been reported in the literature in individuals affected with TTN-related conditions. ClinVar contains an entry for this variant (Variation ID: 636721). This variant is located in the M band of TTN (PMID: 25589632). Truncating variants in this region have been previously reported in individuals affected with autosomal recessive myopathy and muscular dystrophy (PMID: 18948003, 23975875, 24395473). Truncating variants in this region have also been identified in individuals affected with autosomal dominant dilated cardiomyopathy and/or cardio-related conditions (PMID: 27869827, 32964742). In summary, the currently available evidence indicates that the variant is pathogenic, but additional data are needed to prove that conclusively. Therefore, this variant has been classified as Likely Pathogenic.

Blueprint Genetics
Classification: Likely pathogenic for TTN-related disorders. Last evaluated: 2023-11-03. Review status: criteria provided, single submitter. Criteria: ACMG Guidelines, 2015. Collection method: clinical testing. Allele origin: germline. Affected: yes. Observed: 3 variant alleles.

Victorian Clinical Genetics Services, Murdoch Childrens Research Institute
Classification: Likely pathogenic for Dilated cardiomyopathy 1G. Last evaluated: 2023-07-17. Review status: criteria provided, single submitter. Criteria: ACMG Guidelines, 2015. Collection method: clinical testing. Allele origin: germline. Inheritance: Autosomal dominant inheritance. Affected: yes.
Comment: Based on the classification scheme VCGS_Germline_v1.3.4, this variant is classified as Likely pathogenic. Following criteria are met: 0102 - Loss of function is known mechanism of disease in this gene. In addition, dominant-negative is also a suggested mechanism. (PMID: 25589632). (I) 0108 - This gene is associated with both recessive and dominant disease (OMIM). (I) 0112 - The condition associated with this gene has incomplete penetrance. Variants in this gene that result in a premature termination codon are known to have reduced penetrance in DCM (PMID: 25589632). (I) 0201 - Variant is predicted to cause nonsense-mediated decay (NMD) and loss of protein (premature termination codon is located at least 54 nucleotides upstream of the final exon-exon junction). (SP) 0251 - This variant is heterozygous. (I) 0301 - Variant is absent from gnomAD (both v2 and v3). (SP) 0600 - Variant is located in the annotated M-band and the exon has a PSI score of 100 (PMID: 25589632). (I) 0703 - Other NMD-predicted variants comparable to the one identified in this case have moderate previous evidence for pathogenicity (ClinVar). (SP) 0803 - This variant has limited previous evidence of pathogenicity in an unrelated individual. It has been reported by a clinical testing laboratory as likely pathogenic in an adult with DCM (ClinVar, personal communication). (SP) 0905 - No published segregation evidence has been identified for this variant. (I) 1007 - No published functional evidence has been identified for this variant. (I) 1208 - Inheritance information for this variant is not currently available in this individual. (I) Legend: (SP) - Supporting pathogenic, (I) - Information, (SB) - Supporting benign

Literature cited by the submitters: PubMed 25589632 (cited by Labcorp Genetics (formerly Invitae), Labcorp and Victorian Clinical Genetics Services, Murdoch Childrens Research Institute); PubMed 18948003 (cited by Labcorp Genetics (formerly Invitae), Labcorp); PubMed 23975875 (cited by Labcorp Genetics (formerly Invitae), Labcorp); PubMed 24395473 (cited by Labcorp Genetics (formerly Invitae), Labcorp); PubMed 27869827 (cited by Labcorp Genetics (formerly Invitae), Labcorp); PubMed 32964742 (cited by Labcorp Genetics (formerly Invitae), Labcorp).